The following is an entry in ClinVar:

ClinVar aggregate classification (germline): Likely benign. Review status: criteria provided, multiple submitters, no conflicts (2 of 4 stars). 3 submissions from 3 submitters: Likely benign (2). 1 of the submissions does not count toward it. Last evaluated 2023-09-08.

Conditions:
Niemann-Pick disease, type A. Also called: Infantile Neurovisceral ASMD (Niemann-Pick Disease Type A; NPD-A); SPHINGOMYELIN LIPIDOSIS; SPHINGOMYELINASE DEFICIENCY. Identifiers: Orphanet 77292, MedGen C0268242, MONDO:0009756, OMIM 257200. Disease mechanism: loss of function.
Niemann-Pick disease, type B. Also called: Chronic Visceral ASMD (Niemann-Pick Disease Type B; NPD-B). Identifiers: Orphanet 77293, MedGen C0268243, MONDO:0011871, OMIM 607616. Disease mechanism: loss of function.
SMPD1-related disorder. Also called: SMPD1-related condition.
Inborn genetic diseases. Identifiers: MedGen C0950123, MeSH D030342.

Allele frequency attached by ClinVar (database versions not stated): ExAC 0.00001; gnomAD 0.00001; gnomAD exomes 0.00001; TOPMed 0.00001.
gnomAD v4.1: 11 of 1,606,374 alleles (0.00068%); highest among the groups gnomAD compares: Non-Finnish European, 0.00085%; no homozygotes.

Submissions (3):

Labcorp Genetics (formerly Invitae), Labcorp
Classification: Likely benign for Niemann-Pick disease, type B; Niemann-Pick disease, type A. Last evaluated: 2023-09-08. Review status: criteria provided, single submitter. Criteria: Invitae Variant Classification Sherloc (09022015). Collection method: clinical testing. Allele origin: germline.

Ambry Genetics
Classification: Likely benign for Inborn genetic diseases. Last evaluated: 2021-10-11. Review status: criteria provided, single submitter. Criteria: Ambry Variant Classification Scheme 2023. Collection method: clinical testing. Allele origin: germline.

PreventionGenetics, part of Exact Sciences
Classification: Likely benign for SMPD1-related condition. Last evaluated: 2024-05-08. Review status: no assertion criteria provided. Collection method: clinical testing. Allele origin: germline. Not counted in ClinVar's aggregate classification.
Comment: This variant is classified as likely benign based on ACMG/AMP sequence variant interpretation guidelines (Richards et al. 2015 PMID: 25741868, with internal and published modifications).

NM_000543.5(SMPD1):c.606C>T (p.Arg202=)

Gene: SMPD1 (sphingomyelin phosphodiesterase 1; plus strand). Cytogenetic location: 11p15.4.
Variant type: single nucleotide variant.
Coding change: c.606C>T on transcript NM_000543.5 (MANE Select); coding-DNA position 606, C replaced by T.
Protein change: p.Arg202=; no amino-acid change (arginine 202 retained).
Molecular consequence: synonymous variant. On other transcripts: 5 prime UTR variant (1), non-coding transcript variant (1).
Genome position (GRCh38, 1-based): chr11:6,391,671, C>T. VCF-style: chr11-6391671-C-T. GRCh37 (hg19) VCF-style: chr11-6412901-C-T.
Other names: c.603C>T, p.Arg201= (NM_001007593.3); c.606C>T, p.Arg202= (NM_001318087.2, NM_001365135.2); c.-356C>T (NM_001318088.2).
Identifiers: ClinVar variation 1131856 (VCV001131856.12), dbSNP rs779618003, ClinGen allele CA5852646.